The following is an entry in ClinVar:

ClinVar aggregate classification (germline): Uncertain significance. Review status: criteria provided, multiple submitters, no conflicts (2 of 4 stars). 2 submissions from 2 submitters: Uncertain significance (2). Last evaluated 2024-03-19.

Conditions:
Hereditary cancer-predisposing syndrome. Also called: Neoplastic Syndromes, Hereditary; Tumor predisposition; Hereditary Cancer Syndrome; Hereditary neoplastic syndrome. Identifiers: Orphanet 140162, MedGen C0027672, MeSH D009386, MONDO:0015356.
Gorlin syndrome. Also called: Nevoid Basal Cell Carcinoma Syndrome; Basal cell nevus syndrome. Identifiers: Orphanet 377, MedGen C0004779, MONDO:0007187.

Submissions (2):

Ambry Genetics
Classification: Uncertain significance for Hereditary cancer-predisposing syndrome. Last evaluated: 2024-03-19. Review status: criteria provided, single submitter. Criteria: Ambry Variant Classification Scheme 2023. Collection method: clinical testing. Allele origin: germline.
Comment: The p.I1074T variant (also known as c.3221T>C), located in coding exon 19 of the PTCH1 gene, results from a T to C substitution at nucleotide position 3221. The isoleucine at codon 1074 is replaced by threonine, an amino acid with similar properties. This amino acid position is well conserved in available vertebrate species. In addition, the in silico prediction for this alteration is inconclusive. Based on the available evidence, the clinical significance of this alteration remains unclear.

Labcorp Genetics (formerly Invitae), Labcorp
Classification: Uncertain significance for Gorlin syndrome. Last evaluated: 2022-09-21. Review status: criteria provided, single submitter. Criteria: Invitae Variant Classification Sherloc (09022015). Collection method: clinical testing. Allele origin: germline.
Comment: In summary, the available evidence is currently insufficient to determine the role of this variant in disease. Therefore, it has been classified as a Variant of Uncertain Significance. Advanced modeling of protein sequence and biophysical properties (such as structural, functional, and spatial information, amino acid conservation, physicochemical variation, residue mobility, and thermodynamic stability) performed at Invitae indicates that this missense variant is not expected to disrupt PTCH1 protein function. This variant has not been reported in the literature in individuals affected with PTCH1-related conditions. This variant is not present in population databases (gnomAD no frequency). This sequence change replaces isoleucine, which is neutral and non-polar, with threonine, which is neutral and polar, at codon 1074 of the PTCH1 protein (p.Ile1074Thr).

NM_000264.5(PTCH1):c.3221T>C (p.Ile1074Thr)

Gene: PTCH1 (patched 1; minus strand). Cytogenetic location: 9q22.32.
Variant type: single nucleotide variant.
Coding change: c.3221T>C on transcript NM_000264.5 (MANE Select); coding-DNA position 3221, T replaced by C.
Protein change: p.Ile1074Thr; replaces isoleucine 1074 with threonine.
Molecular consequence: missense variant. On other transcripts: non-coding transcript variant (1).
Genome position (GRCh38, 1-based): chr9:95,456,361, A>G on the plus strand (T>C on the coding strand, the complement: PTCH1 is on the minus strand). VCF-style: chr9-95456361-A-G. GRCh37 (hg19) VCF-style: chr9-98218643-A-G.
Other names: c.3023T>C, p.Ile1008Thr (NM_001083602.3); c.3218T>C, p.Ile1073Thr (NM_001083603.3); c.2768T>C, p.Ile923Thr (NM_001083604.3, NM_001083605.3, NM_001083606.3 and 1 more transcripts); c.3065T>C, p.Ile1022Thr (NM_001354918.2); short protein forms I1008T, I1022T, I1073T, I1074T, I923T.
Identifiers: ClinVar variation 1729088 (VCV001729088.8), dbSNP rs1588535754, ClinGen allele CA374112124.